The following is an entry in ClinVar:

ClinVar aggregate classification (germline): Uncertain significance (1 of 4 stars; one submission).

Conditions:
Inborn genetic diseases. Identifiers: MedGen C0950123, MeSH D030342.

Allele frequency attached by ClinVar (database versions not stated): gnomAD 0.00004; gnomAD exomes 0.00005; ExAC 0.00019; 1000 Genomes Project 0.00020; 1000 Genomes Project 30x 0.00031.

Submission:

Ambry Genetics
Classification: Uncertain significance for Inborn genetic diseases. Last evaluated: 2024-04-05. Review status: criteria provided, single submitter. Criteria: Ambry Variant Classification Scheme 2023. Collection method: clinical testing. Allele origin: germline.
Comment: The p.M138T variant (also known as c.413T>C), located in coding exon 4 of the F5 gene, results from a T to C substitution at nucleotide position 413. The methionine at codon 138 is replaced by threonine, an amino acid with similar properties. This amino acid position is conserved. In addition, the in silico prediction for this alteration is inconclusive. Based on the available evidence, the clinical significance of this variant remains unclear.

NM_000130.5(F5):c.413T>C (p.Met138Thr)

Gene: F5 (coagulation factor V; minus strand). Cytogenetic location: 1q24.2.
Variant type: single nucleotide variant.
Coding change: c.413T>C on transcript NM_000130.5 (MANE Select); coding-DNA position 413, T replaced by C.
Protein change: p.Met138Thr; replaces methionine 138 with threonine.
Molecular consequence: missense variant.
Genome position (GRCh38, 1-based): chr1:169,560,727, A>G on the plus strand (T>C on the coding strand, the complement: F5 is on the minus strand). VCF-style: chr1-169560727-A-G. GRCh37 (hg19) VCF-style: chr1-169529965-A-G.
Other names: short protein forms M138T.
Identifiers: ClinVar variation 2597064 (VCV002597064.3), dbSNP rs570913507, ClinGen allele CA1234617.